The following is an entry in ClinVar:

ClinVar aggregate classification (germline): Uncertain significance. Review status: criteria provided, multiple submitters, no conflicts (2 of 4 stars). 2 submissions from 2 submitters: Uncertain significance (2). Last evaluated 2026-01-05.

Allele frequency attached by ClinVar (database versions not stated): ExAC 0.00006; gnomAD 0.00007; TOPMed 0.00007; gnomAD exomes 0.00009; 1000 Genomes Project 30x 0.00016; 1000 Genomes Project 0.00020.
gnomAD v4.1: 149 of 1,614,132 alleles (0.0092%); highest among the groups gnomAD compares: Admixed American, 0.027%; no homozygotes.

Submissions (2):

Labcorp Genetics (formerly Invitae), Labcorp
Classification: Uncertain significance. Last evaluated: 2026-01-05. Review status: criteria provided, single submitter. Criteria: Invitae Variant Classification Sherloc (09022015). Collection method: clinical testing. Allele origin: germline.
Comment: This sequence change replaces threonine, which is neutral and polar, with methionine, which is neutral and non-polar, at codon 997 of the MYH7B protein (p.Thr997Met). This variant is present in population databases (rs202055718, gnomAD 0.03%). This variant has not been reported in the literature in individuals affected with MYH7B-related conditions. ClinVar contains an entry for this variant (Variation ID: 2137701). Invitae Evidence Modeling of protein sequence and biophysical properties (such as structural, functional, and spatial information, amino acid conservation, physicochemical variation, residue mobility, and thermodynamic stability) has been performed for this missense variant. However, the output from this modeling did not meet the statistical confidence thresholds required to predict the impact of this variant on MYH7B protein function. In summary, the available evidence is currently insufficient to determine the role of this variant in disease. Therefore, it has been classified as a Variant of Uncertain Significance.

Ambry Genetics
Classification: Uncertain significance. Last evaluated: 2025-03-26. Review status: criteria provided, single submitter. Criteria: Ambry Variant Classification Scheme 2023. Collection method: clinical testing. Allele origin: germline.

NM_020884.7(MYH7B):c.2864C>T (p.Thr955Met)

Gene: MYH7B (myosin heavy chain 7B; plus strand). Cytogenetic location: 20q11.22.
Variant type: single nucleotide variant.
Coding change: c.2864C>T on transcript NM_020884.7 (MANE Select); coding-DNA position 2864, C replaced by T.
Protein change: p.Thr955Met; replaces threonine 955 with methionine.
Molecular consequence: missense variant.
Genome position (GRCh38, 1-based): chr20:34,995,499, C>T. VCF-style: chr20-34995499-C-T. GRCh37 (hg19) VCF-style: chr20-33583302-C-T.
Other names: c.2990C>T (NM_020884.3); short protein forms T955M.
Identifiers: ClinVar variation 2137701 (VCV002137701.6), dbSNP rs202055718, ClinGen allele CA9827521.